The following is an entry in ClinVar:

NM_018979.4(WNK1):c.3877A>T (p.Asn1293Tyr)

Gene: WNK1 (WNK lysine deficient protein kinase 1; plus strand). Cytogenetic location: 12p13.33.
Variant type: single nucleotide variant.
Coding change: c.3877A>T on transcript NM_018979.4 (MANE Select); coding-DNA position 3877, A replaced by T.
Protein change: p.Asn1293Tyr; replaces asparagine 1293 with tyrosine.
Molecular consequence: missense variant.
Genome position (GRCh38, 1-based): chr12:884,681, A>T. VCF-style: chr12-884681-A-T. GRCh37 (hg19) VCF-style: chr12-993847-A-T.
Other names: c.4633A>T, p.Asn1545Tyr (NM_213655.5); c.4657A>T, p.Asn1553Tyr (NM_001184985.2); c.3136A>T, p.Asn1046Tyr (NM_014823.3); short protein forms N1046Y, N1293Y, N1545Y, N1553Y.
Identifiers: ClinVar variation 2926136 (VCV002926136.4), dbSNP rs745573082, ClinGen allele CA6382888.

ClinVar aggregate classification (germline): Uncertain significance. Review status: criteria provided, multiple submitters, no conflicts (2 of 4 stars). 2 submissions from 2 submitters: Uncertain significance (2). Last evaluated 2024-01-23.

Conditions:
Neuropathy, hereditary sensory and autonomic, type 2A (HSAN2A). Also called: HSAN IIA; WNK1-Related HSAN2 (HSAN2A); ACROOSTEOLYSIS, GIACCAI TYPE; ACROOSTEOLYSIS, NEUROGENIC; MORVAN DISEASE; NEUROPATHY, CONGENITAL SENSORY. Identifiers: Orphanet 970, MedGen C2752089, MONDO:0024309, OMIM 201300.
Pseudohypoaldosteronism type 2C (PHA2C). Also called: Pseudohypoaldosteronism Type IIC. Identifiers: Orphanet 757, Orphanet 88940, MedGen C1840391, MONDO:0013778, OMIM 614492.

Allele frequency attached by ClinVar (database versions not stated): gnomAD exomes below 0.00001; ExAC 0.00002.
gnomAD v4.1: 7 of 1,614,186 alleles (0.00043%); highest among the groups gnomAD compares: Admixed American, 0.005%; no homozygotes.

Submissions (2):

Fulgent Genetics
Classification: Uncertain significance for Neuropathy, hereditary sensory and autonomic, type 2A; Pseudohypoaldosteronism type 2C. Last evaluated: 2024-01-23. Review status: criteria provided, single submitter. Criteria: ACMG Guidelines, 2015. Collection method: clinical testing. Allele origin: germline.

Labcorp Genetics (formerly Invitae), Labcorp
Classification: Uncertain significance for Neuropathy, hereditary sensory and autonomic, type 2A; Pseudohypoaldosteronism type 2C. Last evaluated: 2023-07-27. Review status: criteria provided, single submitter. Criteria: Invitae Variant Classification Sherloc (09022015). Collection method: clinical testing. Allele origin: germline.
Comment: Advanced modeling of protein sequence and biophysical properties (such as structural, functional, and spatial information, amino acid conservation, physicochemical variation, residue mobility, and thermodynamic stability) performed at Invitae indicates that this missense variant is not expected to disrupt WNK1 protein function. This variant has not been reported in the literature in individuals affected with WNK1-related conditions. This variant is present in population databases (rs745573082, gnomAD 0.006%). This sequence change replaces asparagine, which is neutral and polar, with tyrosine, which is neutral and polar, at codon 1545 of the WNK1 protein (p.Asn1545Tyr). In summary, the available evidence is currently insufficient to determine the role of this variant in disease. Therefore, it has been classified as a Variant of Uncertain Significance.